The following is an entry in ClinVar:

ClinVar aggregate classification (germline): Uncertain significance (1 of 4 stars; one submission).

Submission:

Labcorp Genetics (formerly Invitae), Labcorp
Classification: Uncertain significance. Last evaluated: 2025-12-17. Review status: criteria provided, single submitter. Criteria: Invitae Variant Classification Sherloc (09022015). Collection method: clinical testing. Allele origin: germline.
Comment: This variant, c.64_87del, results in the deletion of 8 amino acid(s) of the ARIH1 protein (p.Ser22_Asp29del), but otherwise preserves the integrity of the reading frame. The frequency data for this variant in the population databases is considered unreliable, as metrics indicate poor data quality at this position in the gnomAD database. This variant has not been reported in the literature in individuals affected with ARIH1-related conditions. ClinVar contains an entry for this variant (Variation ID: 2895235). Experimental studies and prediction algorithms are not available or were not evaluated, and the functional significance of this variant is currently unknown. In summary, the available evidence is currently insufficient to determine the role of this variant in disease. Therefore, it has been classified as a Variant of Uncertain Significance.

NM_005744.5(ARIH1):c.64_87del (p.Ser22_Asp29del)

Gene: ARIH1 (ariadne RBR E3 ubiquitin protein ligase 1; plus strand). Cytogenetic location: 15q24.1.
Variant type: Deletion.
Coding change: c.64_87del on transcript NM_005744.5 (MANE Select); coding-DNA positions 64 to 87, 24 bases deleted (AGCGGCGCCGAGGAGGAGGAGGAC).
Protein change: p.Ser22_Asp29del.
Molecular consequence: inframe deletion.
Genome position (GRCh38, 1-based): chr15:72,474,703-72,474,726, AGCGGCGCCGAGGAGGAGGAGGAC deleted; deleting any 24 consecutive bases within chr15:72,474,694-72,474,726 gives the same sequence; the c. name uses the placement nearest the transcript's 3' end. VCF-style (leftmost placement, unchanged base first): chr15-72474693-TGAGGAGGACAGCGGCGCCGAGGAG-T. GRCh37 (hg19) VCF-style: chr15-72767034-TGAGGAGGACAGCGGCGCCGAGGAG-T.
Identifiers: ClinVar variation 2895235 (VCV002895235.3), dbSNP rs771540402, ClinGen allele CA7645410.